The following is an entry in ClinVar:

NM_004104.5(FASN):c.6594C>T (p.Ser2198=)

Gene: FASN (fatty acid synthase; minus strand). Cytogenetic location: 17q25.3.
Variant type: single nucleotide variant.
Coding change: c.6594C>T on transcript NM_004104.5 (MANE Select); coding-DNA position 6594, C replaced by T.
Protein change: p.Ser2198=; no amino-acid change (serine 2198 retained).
Molecular consequence: synonymous variant.
Genome position (GRCh38, 1-based): chr17:82,081,165, G>A on the plus strand (C>T on the coding strand, the complement: FASN is on the minus strand). VCF-style: chr17-82081165-G-A. GRCh37 (hg19) VCF-style: chr17-80039041-G-A.
Identifiers: ClinVar variation 3706314 (VCV003706314.2).

ClinVar aggregate classification (germline): Uncertain significance (1 of 4 stars; one submission).

Conditions:
Epileptic encephalopathy. Identifiers: MedGen C0543888, HP:0200134.

gnomAD v4.1: 27 of 1,579,800 alleles (0.0017%); highest among the groups gnomAD compares: South Asian, 0.0081%; no homozygotes.

Submission:

Labcorp Genetics (formerly Invitae), Labcorp
Classification: Uncertain significance for Epileptic encephalopathy. Last evaluated: 2025-03-18. Review status: criteria provided, single submitter. Criteria: Invitae Variant Classification Sherloc (09022015). Collection method: clinical testing. Allele origin: germline.
Comment: This sequence change affects codon 2198 of the FASN mRNA. It is a 'silent' change, meaning that it does not change the encoded amino acid sequence of the FASN protein. It affects a nucleotide within the consensus splice site. The frequency data for this variant in the population databases is considered unreliable, as metrics indicate poor data quality at this position in the gnomAD database. This variant has not been reported in the literature in individuals affected with FASN-related conditions. Algorithms developed to predict the effect of sequence changes on RNA splicing suggest that this variant is not likely to affect RNA splicing. In summary, the available evidence is currently insufficient to determine the role of this variant in disease. Therefore, it has been classified as a Variant of Uncertain Significance.